The following is an entry in ClinVar:

ClinVar aggregate classification (germline): Likely pathogenic (1 of 4 stars; one submission).

Conditions:
Epilepsy, childhood absence 4 (ECA4). Also called: EPILEPSY, CHILDHOOD ABSENCE, SUSCEPTIBILITY TO, 4. Identifiers: Orphanet 307, MedGen C1970160.
Epilepsy, idiopathic generalized, susceptibility to, 13. Also called: EPILEPSY, JUVENILE MYOCLONIC, SUSCEPTIBILITY TO, 5. Identifiers: Orphanet 307, Orphanet 64280, MedGen C4013473, MONDO:0012627, OMIM 611136.
Idiopathic generalized epilepsy. Also called: Generalised epilepsy; EIG. Identifiers: MedGen C0270850, MONDO:0005579, OMIM 600669.

Submission:

Labcorp Genetics (formerly Invitae), Labcorp
Classification: Likely pathogenic for Epilepsy, childhood absence 4; Epilepsy, idiopathic generalized, susceptibility to, 13; Idiopathic generalized epilepsy. Last evaluated: 2025-12-15. Review status: criteria provided, single submitter. Criteria: Invitae Variant Classification Sherloc (09022015). Collection method: clinical testing. Allele origin: germline.
Comment: This sequence change replaces serine, which is neutral and polar, with threonine, which is neutral and polar, at codon 213 of the GABRA1 protein (p.Ser213Thr). This variant is not present in population databases (gnomAD no frequency). This missense change has been observed in individual(s) with GABRA1-related conditions (PMID: 37606373; internal data). In at least one individual the variant was observed to be de novo. ClinVar contains an entry for this variant (Variation ID: 661858). Invitae Evidence Modeling of protein sequence and biophysical properties (such as structural, functional, and spatial information, amino acid conservation, physicochemical variation, residue mobility, and thermodynamic stability) has been performed for this missense variant. However, the output from this modeling did not meet the statistical confidence thresholds required to predict the impact of this variant on GABRA1 protein function. Experimental studies have shown that this missense change affects GABRA1 function (PMID: 37606373). In summary, the currently available evidence indicates that the variant is pathogenic, but additional data are needed to prove that conclusively. Therefore, this variant has been classified as Likely Pathogenic.

Literature cited by the submitters: PubMed 37606373.

NM_001127644.2(GABRA1):c.637T>A (p.Ser213Thr)

Gene: GABRA1 (gamma-aminobutyric acid type A receptor subunit alpha1; plus strand). Cytogenetic location: 5q34.
Variant type: single nucleotide variant.
Coding change: c.637T>A on transcript NM_001127644.2 (MANE Select); coding-DNA position 637, T replaced by A.
Protein change: p.Ser213Thr; replaces serine 213 with threonine.
Molecular consequence: missense variant.
Genome position (GRCh38, 1-based): chr5:161,882,635, T>A. VCF-style: chr5-161882635-T-A. GRCh37 (hg19) VCF-style: chr5-161309641-T-A.
Other names: c.637T>A, p.Ser213Thr (NM_000806.5, NM_001127643.2, NM_001127645.2 and 1 more transcripts); short protein forms S213T.
Identifiers: ClinVar variation 661858 (VCV000661858.8), dbSNP rs1581207094, ClinGen allele CA362179557.
Genomic context (GRCh38, chr5:161,882,635, plus strand): 5'-GAAGTTGTTTATGAATGGACCAGAGAGCCAGCACGCTCAGTGGTTGTAGCAGAAGATGGA[T>A]CACGTCTAAACCAGTATGACCTTCTTGGACAAACAGTAGACTCTGGAATTGTCCAGTCAA-3'
Protein context (NP_001121116.1, residues 203-223): ARSVVVAEDG[Ser213Thr]RLNQYDLLGQ